The following is an entry in ClinVar:

ClinVar aggregate classification (germline): Uncertain significance (1 of 4 stars; one submission).

Submission:

Dasa
Classification: Uncertain significance. Last evaluated: 2025-09-20. Review status: criteria provided, single submitter. Criteria: DASA Assertion Criteria. Collection method: clinical testing. Allele origin: germline.
Comment: NM_001164277.2(SLC37A4):c.1123+1_1124-1del is a splice-region variant predicted to affect normal RNA splicing. This variant is rare in population databases. The currently available literature and clinical evidence are not sufficient to establish a definitive association between this variant and the reported condition. Therefore, this variant is classified as a variant of uncertain significance.

NM_001164277.2(SLC37A4):c.1124+1_1125-1del

Gene: SLC37A4 (solute carrier family 37 member 4; minus strand). Cytogenetic location: 11q23.3.
Variant type: Deletion.
Coding change: c.1124+1_1125-1del on transcript NM_001164277.2 (MANE Select); the canonical splice donor site of the intron after coding-DNA position 1124 through the canonical splice acceptor site of the intron before coding-DNA position 1125, 114 bases deleted.
Molecular consequence: splice acceptor variant, splice donor variant.
Genome position (GRCh38, 1-based): chr11:119,025,077-119,025,190, 114 bases deleted. GRCh37 (hg19): chr11:118,895,788-118,895,901.
Other names: c.905+1_906-1del (NM_001164279.2); c.1124+1_1125-1del (NM_001467.6, NM_001164280.2); c.1190+1_1191-1del (NM_001164278.2); c.1123+1_1124-1del (NM_001164277.2).
Identifiers: ClinVar variation 4886379 (VCV004886379.2).